The following is an entry in ClinVar:

NM_001367624.2(ZNF469):c.3932_3934del (p.Pro1311_Val1312delinsLeu)

Gene: ZNF469 (zinc finger protein 469; plus strand). Cytogenetic location: 16q24.2.
Variant type: Deletion.
Coding change: c.3932_3934del on transcript NM_001367624.2 (MANE Select); coding-DNA positions 3932 to 3934, 3 bases deleted (CAG; older notation c.3932_3934delCAG).
Protein change: p.Pro1311_Val1312delinsLeu.
Molecular consequence: inframe indel.
Genome position (GRCh38, 1-based): chr16:88,431,402-88,431,404, CAG deleted. VCF-style (leftmost placement, unchanged base first): chr16-88431401-CCAG-C. GRCh37 (hg19) VCF-style: chr16-88497809-CCAG-C.
Identifiers: ClinVar variation 1925001 (VCV001925001.2), dbSNP rs1567512105, ClinGen allele CA624447600.

ClinVar aggregate classification (germline): Uncertain significance (1 of 4 stars; one submission).

Allele frequency attached by ClinVar (database versions not stated): gnomAD exomes below 0.00001; gnomAD 0.00001.

Submission:

Labcorp Genetics (formerly Invitae), Labcorp
Classification: Uncertain significance. Last evaluated: 2022-03-16. Review status: criteria provided, single submitter. Criteria: Invitae Variant Classification Sherloc (09022015). Collection method: clinical testing. Allele origin: germline.
Comment: This variant, c.3848_3850del, is a complex sequence change that results in the deletion of 2 and insertion of 1 amino acid(s) in the ZNF469 protein (p.Pro1283_Val1284delinsLeu). This variant is present in population databases (no rsID available, gnomAD 0.02%). This variant has not been reported in the literature in individuals affected with ZNF469-related conditions. Experimental studies and prediction algorithms are not available or were not evaluated, and the functional significance of this variant is currently unknown. In summary, the available evidence is currently insufficient to determine the role of this variant in disease. Therefore, it has been classified as a Variant of Uncertain Significance.